The following is an entry in ClinVar:

NM_002907.4(RECQL):c.389C>T (p.Ser130Leu)

Gene: RECQL (RecQ like helicase; minus strand). Cytogenetic location: 12p12.1.
Variant type: single nucleotide variant.
Coding change: c.389C>T on transcript NM_002907.4 (MANE Select); coding-DNA position 389, C replaced by T.
Protein change: p.Ser130Leu; replaces serine 130 with leucine.
Molecular consequence: missense variant.
Genome position (GRCh38, 1-based): chr12:21,490,204, G>A on the plus strand (C>T on the coding strand, the complement: RECQL is on the minus strand). VCF-style: chr12-21490204-G-A. GRCh37 (hg19) VCF-style: chr12-21643138-G-A.
Other names: c.389C>T, p.Ser130Leu (NM_032941.3); short protein forms S130L.
Identifiers: ClinVar variation 1735981 (VCV001735981.2), dbSNP rs2540398979, ClinGen allele CA384132102.

ClinVar aggregate classification (germline): Uncertain significance (1 of 4 stars; one submission).

gnomAD v4.1: 2 of 1,602,384 alleles (0.00012%); highest among the groups gnomAD compares: African/African-American, 0.0013%; no homozygotes.

Submission:

Ambry Genetics
Classification: Uncertain significance. Last evaluated: 2022-09-28. Review status: criteria provided, single submitter. Criteria: Ambry Variant Classification Scheme 2023. Collection method: clinical testing. Allele origin: germline.
Comment: The p.S130L variant (also known as c.389C>T), located in coding exon 3 of the RECQL gene, results from a C to T substitution at nucleotide position 389. The serine at codon 130 is replaced by leucine, an amino acid with dissimilar properties. This amino acid position is conserved. In addition, the in silico prediction for this alteration is inconclusive. Since supporting evidence is limited at this time, the clinical significance of this alteration remains unclear.